The following is an entry in ClinVar:

ClinVar aggregate classification (germline): Uncertain significance (1 of 4 stars; one submission).

gnomAD v4.1: 1 of 1,614,024 alleles (0.000062%); highest among the groups gnomAD compares: Non-Finnish European, 0.000085%; no homozygotes.

Submission:

Labcorp Genetics (formerly Invitae), Labcorp
Classification: Uncertain significance. Last evaluated: 2025-06-04. Review status: criteria provided, single submitter. Criteria: Invitae Variant Classification Sherloc (09022015). Collection method: clinical testing. Allele origin: germline.
Comment: This sequence change replaces glutamine, which is neutral and polar, with leucine, which is neutral and non-polar, at codon 462 of the CDH23 protein (p.Gln462Leu). This variant is not present in population databases (gnomAD no frequency). This variant has not been reported in the literature in individuals affected with CDH23-related conditions. Invitae Evidence Modeling of protein sequence and biophysical properties (such as structural, functional, and spatial information, amino acid conservation, physicochemical variation, residue mobility, and thermodynamic stability) has been performed for this missense variant. However, the output from this modeling did not meet the statistical confidence thresholds required to predict the impact of this variant on CDH23 protein function. In summary, the available evidence is currently insufficient to determine the role of this variant in disease. Therefore, it has been classified as a Variant of Uncertain Significance.

NM_022124.6(CDH23):c.1385A>T (p.Gln462Leu)

Gene: CDH23 (cadherin related 23; plus strand). Cytogenetic location: 10q22.1.
Variant type: single nucleotide variant.
Coding change: c.1385A>T on transcript NM_022124.6 (MANE Select); coding-DNA position 1385, A replaced by T.
Protein change: p.Gln462Leu; replaces glutamine 462 with leucine.
Molecular consequence: missense variant.
Genome position (GRCh38, 1-based): chr10:71,646,553, A>T. VCF-style: chr10-71646553-A-T. GRCh37 (hg19) VCF-style: chr10-73406310-A-T.
Other names: c.1385A>T, p.Gln462Leu (NM_001171930.2, NM_001171931.2, NM_052836.4); short protein forms Q462L.
Identifiers: ClinVar variation 4802625 (VCV004802625.1).